The following is an entry in ClinVar:

NM_001375524.1(TRRAP):c.9024G>A (p.Ala3008=)

Gene: TRRAP (transformation/transcription domain associated protein; plus strand). Cytogenetic location: 7q22.1.
Variant type: single nucleotide variant.
Coding change: c.9024G>A on transcript NM_001375524.1 (MANE Select); coding-DNA position 9024, G replaced by A.
Protein change: p.Ala3008=; no amino-acid change (alanine 3008 retained).
Molecular consequence: synonymous variant.
Genome position (GRCh38, 1-based): chr7:98,984,094, G>A. VCF-style: chr7-98984094-G-A. GRCh37 (hg19) VCF-style: chr7-98581717-G-A.
Other names: c.8949G>A (NM_003496.3); c.9036G>A, p.Ser3012= (NM_001244580.2); c.8949G>A, p.Ala2983= (NM_003496.4).
Identifiers: ClinVar variation 2416560 (VCV002416560.9), dbSNP rs530311376, ClinGen allele CA4361622.
Genomic context (GRCh38, chr7:98,984,094, plus strand): 5'-TGTGAAGTGCTTTGAAAGAGGATCGGTGTGGGCTAATGATTCCTTTCTTTGCCCTCTAGC[G>A]ATTGTAACTGCCTATGAGAATAGCTCTCAGCATGATCCCAGTTCAAATAACGCTATGCTT-3'
Protein context (NP_001362453.1, residues 2998-3018): IFMWRQHHYQ[Ala3008=]IVTAYENSSQ

ClinVar aggregate classification (germline): Likely benign. Review status: criteria provided, multiple submitters, no conflicts (2 of 4 stars). 3 submissions from 3 submitters: Likely benign (2). 1 of the submissions does not count toward it. Last evaluated 2024-11-21.

Conditions:
TRRAP-related disorder. Also called: TRRAP-related condition.

Allele frequency attached by ClinVar (database versions not stated): TOPMed 0.00003; gnomAD 0.00005; ExAC 0.00012; 1000 Genomes Project 30x 0.00016; 1000 Genomes Project 0.00020.
gnomAD v4.1: 71 of 1,595,922 alleles (0.0044%); highest among the groups gnomAD compares: Middle Eastern, 0.05%; no homozygotes.

Submissions (3):

Blueprint Genetics
Classification: Likely benign. Last evaluated: 2024-11-21. Review status: criteria provided, single submitter. Criteria: ACMG Guidelines, 2015. Collection method: clinical testing. Allele origin: germline.

Labcorp Genetics (formerly Invitae), Labcorp
Classification: Likely benign. Last evaluated: 2024-10-15. Review status: criteria provided, single submitter. Criteria: Invitae Variant Classification Sherloc (09022015). Collection method: clinical testing. Allele origin: germline.

PreventionGenetics, part of Exact Sciences
Classification: Likely benign for TRRAP-related condition. Last evaluated: 2024-09-10. Review status: no assertion criteria provided. Collection method: clinical testing. Allele origin: germline. Not counted in ClinVar's aggregate classification.
Comment: This variant is classified as likely benign based on ACMG/AMP sequence variant interpretation guidelines (Richards et al. 2015 PMID: 25741868, with internal and published modifications).